The following is an entry in ClinVar:

NM_000268.4(NF2):c.78C>G (p.Ile26Met)

Gene: NF2 (NF2, moesin-ezrin-radixin like (MERLIN) tumor suppressor; plus strand). Cytogenetic location: 22q12.2.
Variant type: single nucleotide variant.
Coding change: c.78C>G on transcript NM_000268.4 (MANE Select); coding-DNA position 78, C replaced by G.
Protein change: p.Ile26Met; replaces isoleucine 26 with methionine.
Molecular consequence: missense variant. On other transcripts: non-coding transcript variant (1).
Genome position (GRCh38, 1-based): chr22:29,604,076, C>G. VCF-style: chr22-29604076-C-G. GRCh37 (hg19) VCF-style: chr22-30000065-C-G.
Other names: c.78C>G, p.Ile26Met (NM_016418.5, NM_181825.3, NM_181828.3 and 5 more transcripts); short protein forms I26M.
Identifiers: ClinVar variation 851328 (VCV000851328.10), dbSNP rs2064716954, ClinGen allele CA411146124.

ClinVar aggregate classification (germline): Uncertain significance (1 of 4 stars; one submission).

Conditions:
Neurofibromatosis, type 2 (SWNV). Also called: BILATERAL ACOUSTIC NEUROFIBROMATOSIS; SCHWANNOMATOSIS, VESTIBULAR; NF2-Related Schwannomatosis. Identifiers: Orphanet 637, MedGen C0027832, MONDO:0007039, OMIM 101000. Disease mechanism: loss of function.

Submission:

Labcorp Genetics (formerly Invitae), Labcorp
Classification: Uncertain significance for Neurofibromatosis, type 2. Last evaluated: 2019-05-02. Review status: criteria provided, single submitter. Criteria: Invitae Variant Classification Sherloc (09022015). Collection method: clinical testing. Allele origin: germline.
Comment: In summary, the available evidence is currently insufficient to determine the role of this variant in disease. Therefore, it has been classified as a Variant of Uncertain Significance. Algorithms developed to predict the effect of missense changes on protein structure and function are either unavailable or do not agree on the potential impact of this missense change (SIFT: "Deleterious"; PolyPhen-2: "Probably Damaging"; Align-GVGD: "Class C0"). This variant has not been reported in the literature in individuals with NF2-related conditions. This variant is not present in population databases (ExAC no frequency). This sequence change replaces isoleucine with methionine at codon 26 of the NF2 protein (p.Ile26Met). The isoleucine residue is moderately conserved and there is a small physicochemical difference between isoleucine and methionine.